The following is an entry in ClinVar:

NM_001330078.2(NRXN1):c.2507C>T (p.Ala836Val)

Gene: NRXN1 (neurexin 1; minus strand). Cytogenetic location: 2p16.3.
Variant type: single nucleotide variant.
Coding change: c.2507C>T on transcript NM_001330078.2 (MANE Select); coding-DNA position 2507, C replaced by T.
Protein change: p.Ala836Val; replaces alanine 836 with valine.
Molecular consequence: missense variant.
Genome position (GRCh38, 1-based): chr2:50,497,705, G>A on the plus strand (C>T on the coding strand, the complement: NRXN1 is on the minus strand). VCF-style: chr2-50497705-G-A. GRCh37 (hg19) VCF-style: chr2-50724843-G-A.
Other names: p.A876V:GCA>GTA; c.2627C>T, p.Ala876Val (NM_001135659.3); c.2483C>T, p.Ala828Val (NM_001330077.2, NM_001330082.2); c.2441C>T, p.Ala814Val (NM_001330083.2, NM_001330084.2); c.2480C>T, p.Ala827Val (NM_001330085.2); c.2507C>T, p.Ala836Val (NM_001330086.2, NM_004801.6); c.2396C>T, p.Ala799Val (NM_001330087.2, NM_001330096.2); c.2426C>T, p.Ala809Val (NM_001330088.2); and 3 more; short protein forms A876V, A799V, A819V, A827V, A828V, A832V, A835V, A809V.
Identifiers: ClinVar variation 194486 (VCV000194486.28), dbSNP rs199557987, ClinGen allele CA302762.

ClinVar aggregate classification (germline): Conflicting classifications of pathogenicity. Review status: criteria provided, conflicting classifications (1 of 4 stars). 6 submissions from 6 submitters: Uncertain significance (2); Likely benign (4). Last evaluated 2026-01-13.

Conditions:
Inborn genetic diseases. Identifiers: MedGen C0950123, MeSH D030342.
Pitt-Hopkins-like syndrome 2 (PTHSL2). Identifiers: Orphanet 221150, Orphanet 600663, MedGen C3280479, MONDO:0013690, OMIM 614325.

Allele frequency attached by ClinVar (database versions not stated): TOPMed 0.00002; 1000 Genomes Project 0.00160; gnomAD below 0.00001 and 0.00018; 1000 Genomes Project 30x 0.00125.
gnomAD v4.1: 537 of 1,607,870 alleles (0.033%); highest among the groups gnomAD compares: South Asian, 0.56%; 9 homozygotes.

Submissions (6):

Labcorp Genetics (formerly Invitae), Labcorp
Classification: Likely benign for Pitt-Hopkins-like syndrome 2. Last evaluated: 2026-01-13. Review status: criteria provided, single submitter. Criteria: Invitae Variant Classification Sherloc (09022015). Collection method: clinical testing. Allele origin: germline.

GeneDx
Classification: Likely benign. Last evaluated: 2019-10-18. Review status: criteria provided, single submitter. Criteria: GeneDx Variant Classification Process June 2021. Collection method: clinical testing. Allele origin: germline. Affected: yes.

Ambry Genetics
Classification: Uncertain significance for Inborn genetic diseases. Last evaluated: 2018-12-12. Review status: criteria provided, single submitter. Criteria: Ambry Variant Classification Scheme 2023. Collection method: clinical testing. Allele origin: germline.
Comment: The p.A876V variant (also known as c.2627C>T), located in coding exon 14 of the NRXN1 gene, results from a C to T substitution at nucleotide position 2627. The alanine at codon 876 is replaced by valine, an amino acid with similar properties. This amino acid position is highly conserved in available vertebrate species. In addition, the in silico prediction for this alteration is inconclusive. Since supporting evidence is limited at this time, the clinical significance of this alteration remains unclear.

Illumina Laboratory Services, Illumina
Classification: Likely benign for Pitt-Hopkins-like syndrome 2. Last evaluated: 2018-01-13. Review status: criteria provided, single submitter. Criteria: ICSL Variant Classification Criteria 13 December 2019. Collection method: clinical testing. Allele origin: germline.
Comment: This variant was observed in the ICSL laboratory as part of a predisposition screen in an ostensibly healthy population. It had not been previously curated by ICSL or reported in the Human Gene Mutation Database (HGMD: prior to June 1st, 2018), and was therefore a candidate for classification through an automated scoring system. Utilizing variant allele frequency, disease prevalence and penetrance estimates, and inheritance mode, an automated score was calculated to assess if this variant is too frequent to cause the disease. Based on the score and internal cut-off values, a variant classified as likely benign is not then subjected to further curation. The score for this variant resulted in a classification of likely benign for this disease.

Genetic Services Laboratory, University of Chicago
Classification: Uncertain significance. Last evaluated: 2015-06-23. Review status: criteria provided, single submitter. Criteria: ACMG Guidelines, 2015. Collection method: clinical testing. Allele origin: germline.

Eurofins Ntd Llc (ga)
Classification: Likely benign. Last evaluated: 2015-01-30. Review status: criteria provided, single submitter. Criteria: EGL Classification Definitions 2015. Collection method: clinical testing. Allele origin: germline. Observed: 1 variant allele, 1 heterozygote.